The following is an entry in ClinVar:

ClinVar aggregate classification (germline): Uncertain significance (1 of 4 stars; one submission).

Allele frequency attached by ClinVar (database versions not stated): TOPMed 0.00001.

Submission:

CeGaT Center for Human Genetics Tuebingen
Classification: Uncertain significance. Last evaluated: 2024-05-01. Review status: criteria provided, single submitter. Criteria: CeGaT Center For Human Genetics Tuebingen Variant Classification Criteria Version 2. Collection method: clinical testing. Allele origin: germline. Affected: yes. Observed: 1 variant allele.
Comment: RBM10: PP2

NM_005676.5(RBM10):c.467C>T (p.Ala156Val)

Gene: RBM10 (RNA binding motif protein 10; plus strand). Cytogenetic location: Xp11.3.
Variant type: single nucleotide variant.
Coding change: c.467C>T on transcript NM_005676.5 (MANE Select); coding-DNA position 467, C replaced by T.
Protein change: p.Ala156Val; replaces alanine 156 with valine.
Molecular consequence: missense variant.
Genome position (GRCh38, 1-based): chrX:47,173,162, C>T. VCF-style: chrX-47173162-C-T. GRCh37 (hg19) VCF-style: chrX-47032561-C-T.
Other names: c.236C>T, p.Ala79Val (NM_001204466.2, NM_152856.3); c.467C>T, p.Ala156Val (NM_001204467.2); c.662C>T, p.Ala221Val (NM_001204468.2); short protein forms A156V, A221V, A79V.
Identifiers: ClinVar variation 3239270 (VCV003239270.19), dbSNP rs1279733949.
Genomic context (GRCh38, chrX:47,173,162, plus strand): 5'-GCCCTACTCTGTATCTCCCCGTATAGATCCGTGGCCAGCTGCAGTCGCACGGCGTGCAAG[C>T]ACGGGAGGTTCGGCTGATGCGGAACAAATCTTCAGGTGAGCTTTTGTTCTAGTGCCCTCC-3'
Protein context (NP_005667.2, residues 146-166): RGQLQSHGVQ[Ala156Val]REVRLMRNKS